The following is an entry in ClinVar:

ClinVar aggregate classification (germline): Uncertain significance. Review status: criteria provided, multiple submitters, no conflicts (2 of 4 stars). 4 submissions from 4 submitters: Uncertain significance (4). Last evaluated 2025-11-01.

Conditions:
POLD1-related disorder. Also called: POLD1-related disorders; POLD1-related condition.
POLD1-related polyposis and colorectal cancer syndrome (CRCS10). Also called: Colorectal cancer, susceptibility to, 10; Colorectal cancer 10; COLORECTAL CANCER, SUSCEPTIBILITY TO, ON CHROMOSOME 19q. Identifiers: Orphanet 220460, MedGen C2675481, MONDO:0012953, OMIM 612591.
Hereditary cancer-predisposing syndrome. Also called: Hereditary Cancer Syndrome; Hereditary neoplastic syndrome; Neoplastic Syndromes, Hereditary; Tumor predisposition. Identifiers: Orphanet 140162, MedGen C0027672, MeSH D009386, MONDO:0015356.

Allele frequency attached by ClinVar (database versions not stated): gnomAD 0.00001.

Submissions (4):

Ambry Genetics
Classification: Uncertain significance for Hereditary cancer-predisposing syndrome. Last evaluated: 2025-11-01. Review status: criteria provided, single submitter. Criteria: Ambry Variant Classification Scheme 2023. Collection method: clinical testing. Allele origin: germline.
Comment: The p.M1? variant (also known as c.2T>C), located in coding exon 1 of the POLD1 gene, results from a T to C substitution at nucleotide position 2. This alters the methionine residue at the initiation codon (ATG). Variations that modify the initiation codon (ATG) are expected to result in either loss of translation initiation, N-terminal truncation, or cause a shift in the mRNA reading frame; however, there is an in-frame methionine 40 amino acids from the initiation site, which may result in N-terminal truncation of unknown functional significance. Based on the available evidence, the clinical significance of this variant remains unclear.

Labcorp Genetics (formerly Invitae), Labcorp
Classification: Uncertain significance for POLD1-related polyposis and colorectal cancer syndrome. Last evaluated: 2023-10-15. Review status: criteria provided, single submitter. Criteria: Invitae Variant Classification Sherloc (09022015). Collection method: clinical testing. Allele origin: germline.
Comment: This sequence change affects the initiator methionine of the POLD1 mRNA. The next in-frame methionine is located at codon 41. This variant is not present in population databases (gnomAD no frequency). This variant has not been reported in the literature in individuals affected with POLD1-related conditions. ClinVar contains an entry for this variant (Variation ID: 822534). Experimental studies and prediction algorithms are not available or were not evaluated, and the functional significance of this variant is currently unknown. In summary, the available evidence is currently insufficient to determine the role of this variant in disease. Therefore, it has been classified as a Variant of Uncertain Significance.

PreventionGenetics, part of Exact Sciences
Classification: Uncertain significance for POLD1-related condition. Last evaluated: 2022-12-08. Review status: criteria provided, single submitter. Criteria: ACMG Guidelines, 2015. Collection method: clinical testing. Allele origin: germline.
Comment: The POLD1 c.2T>C variant is predicted to disrupt the translation initiation site (Start Loss). To our knowledge, this variant has not been reported in the literature or in a large population database, indicating this variant is rare. In ClinVar, this variant has been interpreted as uncertain. Gross deletions and other loss-of-function variants in POLD1 have rarely been reported to be pathogenic, whereas missense variants in POLD1 are associated with colorectal cancer/polyposis (Human Gene Mutation Database). At this time, the clinical significance of this variant is uncertain due to the absence of conclusive functional and genetic evidence.

GeneDx
Classification: Uncertain significance. Last evaluated: 2019-11-05. Review status: criteria provided, single submitter. Criteria: GeneDx Variant Classification Process June 2021. Collection method: clinical testing. Allele origin: germline. Affected: yes.
Comment: Initiation codon variant predicted to result in protein truncation or nonsense mediated decay, but clinical significance is uncertain; Has not been previously published as pathogenic or benign to our knowledge; Not observed in large population cohorts (Lek 2016)

NM_002691.4(POLD1):c.2T>C (p.Met1Thr)

Gene: POLD1 (DNA polymerase delta 1, catalytic subunit; plus strand). Cytogenetic location: 19q13.33.
Variant type: single nucleotide variant.
Coding change: c.2T>C on transcript NM_002691.4 (MANE Select); coding-DNA position 2, T replaced by C.
Protein change: p.Met1Thr; changes the start codon (methionine 1).
Molecular consequence: missense variant, initiator codon variant. On other transcripts: non-coding transcript variant (1).
Genome position (GRCh38, 1-based): chr19:50,398,853, T>C. VCF-style: chr19-50398853-T-C. GRCh37 (hg19) VCF-style: chr19-50902110-T-C.
Other names: c.2T>C, p.Met1Thr (NM_001256849.1, NM_001308632.1); short protein forms M1T.
Identifiers: ClinVar variation 822534 (VCV000822534.15), dbSNP rs1057517594, ClinGen allele CA406969952.
Genomic context (GRCh38, chr19:50,398,853, plus strand): 5'-GACAGGGTAAGAGGTGTCTCCGGTCAGAACCTCCACCAAGCTCCAACTTGCCCAGCAGGA[T>C]GGATGGCAAGCGGCGGCCAGGCCCAGGGCCCGGGGTGCCCCCAAAGCGGGCCCGTGGGGG-3'
Protein context (NP_002682.2, residues 1-11): [Met1Thr]DGKRRPGPGP